The following is an entry in ClinVar:

NM_021830.5(TWNK):c.1598C>T (p.Ala533Val)

Gene: TWNK (twinkle mtDNA helicase; plus strand). Cytogenetic location: 10q24.31.
Variant type: single nucleotide variant.
Coding change: c.1598C>T on transcript NM_021830.5 (MANE Select); coding-DNA position 1598, C replaced by T.
Protein change: p.Ala533Val; replaces alanine 533 with valine.
Molecular consequence: missense variant. On other transcripts: non-coding transcript variant (5).
Genome position (GRCh38, 1-based): chr10:100,990,874, C>T. VCF-style: chr10-100990874-C-T. GRCh37 (hg19) VCF-style: chr10-102750631-C-T.
Other names: c.1598C>T, p.Ala533Val (NM_001163812.2); c.236C>T, p.Ala79Val (NM_001163813.2, NM_001163814.2, NM_001368275.1); short protein forms A79V, A533V.
Identifiers: ClinVar variation 2811633 (VCV002811633.3), dbSNP rs2493641993, ClinGen allele CA378211295.
Genomic context (GRCh38, chr10:100,990,874, plus strand): 5'-TATGTTCTTGTCCTTCTGTGTCTGATAAGCTCTTTGTGTTGTTGGGATGGCGTAGGATCG[C>T]AGCTCAAGACTACATCATCGGGGTCTTTCGGAAGTTTGCAACAGACAATAACTGCCATGT-3'
Protein context (NP_068602.2, residues 523-543): GHEQLSTDRI[Ala533Val]AQDYIIGVFR

ClinVar aggregate classification (germline): Uncertain significance (1 of 4 stars; one submission).

Submission:

Labcorp Genetics (formerly Invitae), Labcorp
Classification: Uncertain significance. Last evaluated: 2022-11-02. Review status: criteria provided, single submitter. Criteria: Invitae Variant Classification Sherloc (09022015). Collection method: clinical testing. Allele origin: germline.
Comment: This sequence change replaces alanine, which is neutral and non-polar, with valine, which is neutral and non-polar, at codon 533 of the TWNK protein (p.Ala533Val). This variant is not present in population databases (gnomAD no frequency). This variant has not been reported in the literature in individuals affected with TWNK-related conditions. Advanced modeling of protein sequence and biophysical properties (such as structural, functional, and spatial information, amino acid conservation, physicochemical variation, residue mobility, and thermodynamic stability) performed at Invitae indicates that this missense variant is expected to disrupt TWNK protein function. In summary, the available evidence is currently insufficient to determine the role of this variant in disease. Therefore, it has been classified as a Variant of Uncertain Significance.